The following is an entry in ClinVar:

NM_000388.4(CASR):c.992G>C (p.Arg331Pro)

Gene: CASR (calcium sensing receptor; plus strand). Cytogenetic location: 3q21.1.
Variant type: single nucleotide variant.
Coding change: c.992G>C on transcript NM_000388.4 (MANE Select); coding-DNA position 992, G replaced by C.
Protein change: p.Arg331Pro; replaces arginine 331 with proline.
Molecular consequence: missense variant.
Genome position (GRCh38, 1-based): chr3:122,262,027, G>C. VCF-style: chr3-122262027-G-C. GRCh37 (hg19) VCF-style: chr3-121980874-G-C.
Other names: c.992G>C, p.Arg331Pro (NM_001178065.2); short protein forms R331P.
Identifiers: ClinVar variation 1421675 (VCV001421675.8), dbSNP rs747090029, ClinGen allele CA354151990.

ClinVar aggregate classification (germline): Uncertain significance (1 of 4 stars; one submission).

Conditions:
Familial hypocalciuric hypercalcemia (FHH). Also called: Familial benign hypercalcemia. Identifiers: Orphanet 405, MedGen C1809471, MONDO:0018458.
Autosomal dominant hypocalcemia 1 (HYPOC1). Also called: HYPOCALCEMIA, FAMILIAL. Identifiers: MedGen C3715128, MONDO:0011013, OMIM 601198.

Submission:

Labcorp Genetics (formerly Invitae), Labcorp
Classification: Uncertain significance for Familial hypocalciuric hypercalcemia; Autosomal dominant hypocalcemia 1. Last evaluated: 2021-06-11. Review status: criteria provided, single submitter. Criteria: Invitae Variant Classification Sherloc (09022015). Collection method: clinical testing. Allele origin: germline.
Comment: In summary, the available evidence is currently insufficient to determine the role of this variant in disease. Therefore, it has been classified as a Variant of Uncertain Significance. Algorithms developed to predict the effect of missense changes on protein structure and function (SIFT, PolyPhen-2, Align-GVGD) all suggest that this variant is likely to be disruptive, but these predictions have not been confirmed by published functional studies and their clinical significance is uncertain. This variant has not been reported in the literature in individuals with CASR-related conditions. This variant is not present in population databases (ExAC no frequency). This sequence change replaces arginine with proline at codon 331 of the CASR protein (p.Arg331Pro). The arginine residue is highly conserved and there is a moderate physicochemical difference between arginine and proline.